The following is an entry in ClinVar:

ClinVar aggregate classification (germline): Likely benign (0 of 4 stars; one submission).

Conditions:
FREM2-related disorder. Also called: FREM2-related condition.

gnomAD v4.1: 2 of 1,614,106 alleles (0.00012%); highest among the groups gnomAD compares: Admixed American, 0.0033%; no homozygotes.

Submission:

PreventionGenetics, part of Exact Sciences
Classification: Likely benign for FREM2-related condition. Last evaluated: 2019-03-27. Review status: no assertion criteria provided. Collection method: clinical testing. Allele origin: germline.
Comment: This variant is classified as likely benign based on ACMG/AMP sequence variant interpretation guidelines (Richards et al. 2015 PMID: 25741868, with internal and published modifications).

NM_207361.6(FREM2):c.5790G>C (p.Pro1930=)

Gene: FREM2 (FRAS1 related extracellular matrix 2; plus strand). Cytogenetic location: 13q13.3.
Variant type: single nucleotide variant.
Coding change: c.5790G>C on transcript NM_207361.6 (MANE Select); coding-DNA position 5790, G replaced by C.
Protein change: p.Pro1930=; no amino-acid change (proline 1930 retained).
Molecular consequence: synonymous variant.
Genome position (GRCh38, 1-based): chr13:38,784,579, G>C. VCF-style: chr13-38784579-G-C. GRCh37 (hg19) VCF-style: chr13-39358716-G-C.
Identifiers: ClinVar variation 3037332 (VCV003037332.2), dbSNP rs114346379, ClinGen allele CA6955355.